The following is an entry in ClinVar:

NM_018896.5(CACNA1G):c.1025A>G (p.Tyr342Cys)

Gene: CACNA1G (calcium voltage-gated channel subunit alpha1 G; plus strand). Cytogenetic location: 17q21.33.
Variant type: single nucleotide variant.
Coding change: c.1025A>G on transcript NM_018896.5 (MANE Select); coding-DNA position 1025, A replaced by G.
Protein change: p.Tyr342Cys; replaces tyrosine 342 with cysteine.
Molecular consequence: missense variant. On other transcripts: non-coding transcript variant (5).
Genome position (GRCh38, 1-based): chr17:50,572,832, A>G. VCF-style: chr17-50572832-A-G. GRCh37 (hg19) VCF-style: chr17-48650193-A-G.
Other names: c.1025A>G, p.Tyr342Cys (NM_198388.3, NM_198396.3, NM_001256324.2 and 24 more transcripts); short protein forms Y342C.
Identifiers: ClinVar variation 2501398 (VCV002501398.2), dbSNP rs2544801213, ClinGen allele CA400232752.

ClinVar aggregate classification (germline): Uncertain significance (1 of 4 stars; one submission).

Allele frequency attached by ClinVar (database versions not stated): gnomAD exomes 0.00001.

Submission:

GeneDx
Classification: Uncertain significance. Last evaluated: 2025-01-21. Review status: criteria provided, single submitter. Criteria: GeneDx Variant Classification Process June 2021. Collection method: clinical testing. Allele origin: germline. Affected: yes.
Comment: Not observed at significant frequency in large population cohorts (gnomAD); In silico analysis supports that this missense variant has a deleterious effect on protein structure/function; Has not been previously published as pathogenic or benign to our knowledge